The following is an entry in ClinVar:

ClinVar aggregate classification (germline): Uncertain significance. Review status: criteria provided, multiple submitters, no conflicts (2 of 4 stars). 3 submissions from 3 submitters: Uncertain significance (3). Last evaluated 2025-10-07.

Conditions:
Cardiovascular phenotype. Identifiers: MedGen CN230736.
RASopathy. Also called: rasopathies; Noonan spectrum disorder. Identifiers: Orphanet 536391, MedGen C5555857, MONDO:0021060.

Submissions (3):

Labcorp Genetics (formerly Invitae), Labcorp
Classification: Uncertain significance for RASopathy. Last evaluated: 2025-10-07. Review status: criteria provided, single submitter. Criteria: Invitae Variant Classification Sherloc (09022015). Collection method: clinical testing. Allele origin: germline.
Comment: This sequence change replaces proline, which is neutral and non-polar, with leucine, which is neutral and non-polar, at codon 543 of the CBL protein (p.Pro543Leu). This variant is not present in population databases (gnomAD no frequency). This variant has not been reported in the literature in individuals affected with CBL-related conditions. ClinVar contains an entry for this variant (Variation ID: 3901741). Invitae Evidence Modeling of protein sequence and biophysical properties (such as structural, functional, and spatial information, amino acid conservation, physicochemical variation, residue mobility, and thermodynamic stability) has been performed for this missense variant. However, the output from this modeling did not meet the statistical confidence thresholds required to predict the impact of this variant on CBL protein function. In summary, the available evidence is currently insufficient to determine the role of this variant in disease. Therefore, it has been classified as a Variant of Uncertain Significance.

Ambry Genetics
Classification: Uncertain significance for Cardiovascular phenotype. Last evaluated: 2025-07-16. Review status: criteria provided, single submitter. Criteria: Ambry Variant Classification Scheme 2023. Collection method: clinical testing. Allele origin: germline.

GeneDx
Classification: Uncertain significance. Last evaluated: 2024-12-02. Review status: criteria provided, single submitter. Criteria: GeneDx Variant Classification Process June 2021. Collection method: clinical testing. Allele origin: germline. Affected: yes.
Comment: Not observed at significant frequency in large population cohorts (gnomAD); In silico analysis supports that this missense variant has a deleterious effect on protein structure/function; Has not been previously published as pathogenic or benign to our knowledge; This variant is associated with the following publications: (PMID: 20619386)

NM_005188.4(CBL):c.1628C>T (p.Pro543Leu)

Gene: CBL (Cbl proto-oncogene; plus strand). Cytogenetic location: 11q23.3.
Variant type: single nucleotide variant.
Coding change: c.1628C>T on transcript NM_005188.4 (MANE Select); coding-DNA position 1628, C replaced by T.
Protein change: p.Pro543Leu; replaces proline 543 with leucine.
Molecular consequence: missense variant.
Genome position (GRCh38, 1-based): chr11:119,285,253, C>T. VCF-style: chr11-119285253-C-T. GRCh37 (hg19) VCF-style: chr11-119155963-C-T.
Other names: short protein forms P543L.
Identifiers: ClinVar variation 3901741 (VCV003901741.4).
Genomic context (GRCh38, chr11:119,285,253, plus strand): 5'-CTTCTGGCTCCCTTCATAAAGACAAACCATTGCCAGTACCTCCCACACTTCGAGATCTTC[C>T]ACCACCACCGCCTCCAGACCGGCCATATTCTGTTGGAGCAGAATCCCGACCTCAAAGACG-3'
Protein context (NP_005179.2, residues 533-553): LPVPPTLRDL[Pro543Leu]PPPPPDRPYS